The following is an entry in ClinVar:

ClinVar aggregate classification (germline): Benign/Likely benign. Review status: criteria provided, multiple submitters, no conflicts (2 of 4 stars). 6 submissions from 6 submitters: Benign (2); Likely benign (4). Last evaluated 2026-02-01.

Conditions:
Retinal arterial tortuosity. Also called: Retinal arteries, tortuosity of; RETINAL HEMORRHAGE WITH VASCULAR TORTUOSITY. Identifiers: Orphanet 75326, MedGen C0423401, MONDO:0008373, OMIM 180000, HP:0000631.
Brain small vessel disease 1 with or without ocular anomalies (BSVD1). Also called: PORENCEPHALY, TYPE 1, AUTOSOMAL DOMINANT; BRAIN SMALL VESSEL DISEASE WITH HEMORRHAGE; GOULD SYNDROME 1; Brain small vessel disease with or without ocular anomalies. Identifiers: Orphanet 2940, Orphanet 36383, Orphanet 99810, MedGen C4755307, MONDO:0008289, OMIM 175780.
Hemorrhage, intracerebral, susceptibility to (ICH). Also called: Stroke, hemorrhagic, susceptibility to. Identifiers: MedGen C3281105, MONDO:0100533, OMIM 614519.
Autosomal dominant familial hematuria-retinal arteriolar tortuosity-contractures syndrome. Also called: Hereditary Angiopathy with Nephropathy, Aneurysms, and Muscle Cramps (HANAC) Syndrome; Angiopathy, hereditary, with nephropathy, aneurysms, and muscle cramps. Identifiers: Orphanet 73229, MedGen C2673195, MONDO:0012726, OMIM 611773.
Microangiopathy and leukoencephalopathy, pontine, autosomal dominant. Also called: Pontine autosomal dominant microangiopathy with leukoencephalopathy; DEMENTIA, HEREDITARY MULTI-INFARCT, SWEDISH TYPE. Identifiers: Orphanet 477749, MedGen C5231411, MONDO:0032814, OMIM 618564.

Allele frequency attached by ClinVar (database versions not stated): gnomAD exomes 0.00010 and 0.00035; gnomAD 0.00011 and 0.00018; TOPMed 0.00026; ExAC 0.00033; 1000 Genomes Project 30x 0.00078; 1000 Genomes Project 0.00080.
gnomAD v4.1: 182 of 1,613,328 alleles (0.011%); highest among the groups gnomAD compares: East Asian, 0.35%; 2 homozygotes.

Submissions (6):

Labcorp Genetics (formerly Invitae), Labcorp
Classification: Benign. Last evaluated: 2026-02-01. Review status: criteria provided, single submitter. Criteria: Invitae Variant Classification Sherloc (09022015). Collection method: clinical testing. Allele origin: germline.

Women's Health and Genetics/Laboratory Corporation of America, LabCorp
Classification: Likely benign. Last evaluated: 2025-04-14. Review status: criteria provided, single submitter. Criteria: LabCorp Variant Classification Summary - May 2015. Collection method: clinical testing. Allele origin: germline.

Mayo Clinic Laboratories, Mayo Clinic
Classification: Likely benign. Last evaluated: 2025-01-29. Review status: criteria provided, single submitter. Criteria: ACMG Guidelines, 2015. Collection method: clinical testing. Allele origin: germline. Observed: 1 variant allele.
Comment: BS1, BP4, BP7

Blueprint Genetics
Classification: Likely benign. Last evaluated: 2024-05-15. Review status: criteria provided, single submitter. Criteria: ACMG Guidelines, 2015. Collection method: clinical testing. Allele origin: germline.

Fulgent Genetics
Classification: Likely benign for Brain small vessel disease 1 with or without ocular anomalies; Retinal arterial tortuosity; Autosomal dominant familial hematuria-retinal arteriolar tortuosity-contractures syndrome; Hemorrhage, intracerebral, susceptibility to; Microangiopathy and leukoencephalopathy, pontine, autosomal dominant. Last evaluated: 2022-01-08. Review status: criteria provided, single submitter. Criteria: ACMG Guidelines, 2015. Collection method: clinical testing. Allele origin: unknown.

Breakthrough Genomics
Classification: Benign. Review status: criteria provided, single submitter. Criteria: ACMG Guidelines, 2015. Collection method: not provided. Allele origin: germline. Inheritance: Autosomal dominant inheritance. Affected: yes.

NM_001845.6(COL4A1):c.1881A>G (p.Gly627=)

Gene: COL4A1 (collagen type IV alpha 1 chain; minus strand). Cytogenetic location: 13q34.
Variant type: single nucleotide variant.
Coding change: c.1881A>G on transcript NM_001845.6 (MANE Select); coding-DNA position 1881, A replaced by G.
Protein change: p.Gly627=; no amino-acid change (glycine 627 retained).
Molecular consequence: synonymous variant.
Genome position (GRCh38, 1-based): chr13:110,186,401, T>C on the plus strand (A>G on the coding strand, the complement: COL4A1 is on the minus strand). VCF-style: chr13-110186401-T-C. GRCh37 (hg19) VCF-style: chr13-110838748-T-C.
Other names: p.Gly627=.
Identifiers: ClinVar variation 774383 (VCV000774383.16), dbSNP rs202093478, ClinGen allele CA7047809.
Genomic context (GRCh38, chr13:110,186,401, plus strand): 5'-CCGTTTACAACTTCATGCTGCATCACGAGTTTCTCAGGCCTCACCTGGCAGGCCTGGGGA[T>C]CCAGGGCCTCCAGGAAAGCCTGCTTGTCCTTTGTCACCAATGGGACCAGCAGGACCATAT-3'
Protein context (NP_001836.3, residues 617-637): KGQAGFPGGP[Gly627=]SPGLPGPKGE